The following is an entry in ClinVar:

ClinVar aggregate classification (germline): Likely benign. Review status: criteria provided, multiple submitters, no conflicts (2 of 4 stars). 3 submissions from 3 submitters: Likely benign (3). Last evaluated 2026-02-03.

Conditions:
Developmental and epileptic encephalopathy, 36 (DEE36). Also called: Congenital disorder of glycosylation, type Is; ALG13-CDG; Epileptic encephalopathy, early infantile, 36. Identifiers: Orphanet 324422, MedGen C4317295, MONDO:0010472, OMIM 300884.

Submissions (3):

Labcorp Genetics (formerly Invitae), Labcorp
Classification: Likely benign for Developmental and epileptic encephalopathy, 36. Last evaluated: 2026-02-03. Review status: criteria provided, single submitter. Criteria: Invitae Variant Classification Sherloc (09022015). Collection method: clinical testing. Allele origin: germline.

Blueprint Genetics
Classification: Likely benign. Last evaluated: 2024-11-28. Review status: criteria provided, single submitter. Criteria: ACMG Guidelines, 2015. Collection method: clinical testing. Allele origin: germline.

CeGaT Center for Human Genetics Tuebingen
Classification: Likely benign. Last evaluated: 2024-08-01. Review status: criteria provided, single submitter. Criteria: CeGaT Center For Human Genetics Tuebingen Variant Classification Criteria Version 2. Collection method: clinical testing. Allele origin: germline. Affected: yes. Observed: 1 variant allele.
Comment: ALG13: BP4, BP7

NM_001099922.3(ALG13):c.2778A>C (p.Pro926=)

Gene: ALG13 (ALG13 UDP-N-acetylglucosaminyltransferase subunit; plus strand). Cytogenetic location: Xq23.
Variant type: single nucleotide variant.
Coding change: c.2778A>C on transcript NM_001099922.3 (MANE Select); coding-DNA position 2778, A replaced by C.
Protein change: p.Pro926=; no amino-acid change (proline 926 retained).
Molecular consequence: synonymous variant. On other transcripts: intron variant (5).
Genome position (GRCh38, 1-based): chrX:111,744,750, A>C. VCF-style: chrX-111744750-A-C. GRCh37 (hg19) VCF-style: chrX-110987978-A-C.
Other names: c.2544A>C, p.Pro848= (NM_001257231.2); c.2383+7871A>C (NM_001257237.2, NM_001257234.2, NM_001257230.2); c.2209+7871A>C (NM_001324293.1); c.2695+7871A>C (NM_001324292.2).
Identifiers: ClinVar variation 772760 (VCV000772760.28), dbSNP rs1218547242, ClinGen allele CA518059778.